The following is an entry in ClinVar:

ClinVar aggregate classification (germline): Uncertain significance (1 of 4 stars; one submission).

gnomAD v4.1: 5 of 1,132,178 alleles (0.00044%); highest among the groups gnomAD compares: African/African-American, 0.0066%; no homozygotes.

Submission:

Labcorp Genetics (formerly Invitae), Labcorp
Classification: Uncertain significance. Last evaluated: 2025-08-22. Review status: criteria provided, single submitter. Criteria: Invitae Variant Classification Sherloc (09022015). Collection method: clinical testing. Allele origin: germline.
Comment: This sequence change replaces proline, which is neutral and non-polar, with alanine, which is neutral and non-polar, at codon 41 of the KMT2A protein (p.Pro41Ala). The frequency data for this variant in the population databases is considered unreliable, as metrics indicate insufficient coverage at this position in the gnomAD database. This variant has not been reported in the literature in individuals affected with KMT2A-related conditions. ClinVar contains an entry for this variant (Variation ID: 2858326). Invitae Evidence Modeling of protein sequence and biophysical properties (such as structural, functional, and spatial information, amino acid conservation, physicochemical variation, residue mobility, and thermodynamic stability) has been performed for this missense variant. However, the output from this modeling did not meet the statistical confidence thresholds required to predict the impact of this variant on KMT2A protein function. In summary, the available evidence is currently insufficient to determine the role of this variant in disease. Therefore, it has been classified as a Variant of Uncertain Significance.

NM_001197104.2(KMT2A):c.121C>G (p.Pro41Ala)

Gene: KMT2A (lysine methyltransferase 2A; plus strand). Cytogenetic location: 11q23.3.
Variant type: single nucleotide variant.
Coding change: c.121C>G on transcript NM_001197104.2 (MANE Select); coding-DNA position 121, C replaced by G.
Protein change: p.Pro41Ala; replaces proline 41 with alanine.
Molecular consequence: missense variant.
Genome position (GRCh38, 1-based): chr11:118,436,633, C>G. VCF-style: chr11-118436633-C-G. GRCh37 (hg19) VCF-style: chr11-118307348-C-G.
Other names: c.121C>G, p.Pro41Ala (NM_001412597.1, NM_005933.4); short protein forms P41A.
Identifiers: ClinVar variation 2858326 (VCV002858326.3), dbSNP rs1224934712, ClinGen allele CA382797285.